The following is an entry in ClinVar:

ClinVar aggregate classification (germline): Uncertain significance (1 of 4 stars; one submission).

Conditions:
Inborn genetic diseases. Identifiers: MedGen C0950123, MeSH D030342.

Submission:

Ambry Genetics
Classification: Uncertain significance for Inborn genetic diseases. Last evaluated: 2025-08-03. Review status: criteria provided, single submitter. Criteria: Ambry Variant Classification Scheme 2023. Collection method: clinical testing. Allele origin: germline.
Comment: The p.G183S variant (also known as c.547G>A), located in coding exon 4 of the SBDS gene, results from a G to A substitution at nucleotide position 547. The glycine at codon 183 is replaced by serine, an amino acid with similar properties. This amino acid position is conserved. In addition, the in silico prediction for this alteration is inconclusive. Based on the available evidence, the clinical significance of this variant remains unclear.

NM_016038.4(SBDS):c.547G>A (p.Gly183Ser)

Gene: SBDS (SBDS ribosome maturation factor; minus strand). Cytogenetic location: 7q11.21.
Variant type: single nucleotide variant.
Coding change: c.547G>A on transcript NM_016038.4 (MANE Select); coding-DNA position 547, G replaced by A.
Protein change: p.Gly183Ser; replaces glycine 183 with serine.
Molecular consequence: missense variant.
Genome position (GRCh38, 1-based): chr7:66,991,214, C>T on the plus strand (G>A on the coding strand, the complement: SBDS is on the minus strand). VCF-style: chr7-66991214-C-T. GRCh37 (hg19) VCF-style: chr7-66456201-C-T.
Other names: short protein forms G183S.
Identifiers: ClinVar variation 4159818 (VCV004159818.1).